The following is an entry in ClinVar:

ClinVar aggregate classification (germline): Uncertain significance. Review status: criteria provided, multiple submitters, no conflicts (2 of 4 stars). 2 submissions from 2 submitters: Uncertain significance (2). Last evaluated 2024-10-09.

Conditions:
Polycystic kidney disease 2 (PKD2). Also called: Polycystic Kidney Disease 2, Autosomal Dominant; POLYCYSTIC KIDNEY DISEASE 2 WITH OR WITHOUT POLYCYSTIC LIVER DISEASE; POLYCYSTIC KIDNEY DISEASE, ADULT, TYPE II. Identifiers: MedGen C2751306, MONDO:0013131, OMIM 613095.

Submissions (2):

Victorian Clinical Genetics Services, Murdoch Childrens Research Institute
Classification: Uncertain significance for Polycystic kidney disease 2. Last evaluated: 2024-10-09. Review status: criteria provided, single submitter. Criteria: ACMG Guidelines, 2015. Collection method: clinical testing. Allele origin: germline. Inheritance: Autosomal dominant inheritance. Affected: yes.
Comment: Based on the classification scheme VCGS_Germline_v1.3.4, this variant is classified as VUS-3A. Following criteria are met: 0102 - Loss of function is a known mechanism of disease in this gene and is associated with polycystic kidney disease 2 (MIM#613095). (I) 0107 - This gene is associated with autosomal dominant disease. (I) 0200 - Variant is predicted to result in a missense amino acid change from tryptophan to arginine. (I) 0251 - This variant is heterozygous. (I) 0301 - Variant is absent from gnomAD (both v2 and v3). (SP) 0501 - Missense variant consistently predicted to be damaging by multiple in silico tools or highly conserved with a major amino acid change. (SP) 0600 - Variant is located in the annotated polycystin domain (DECIPHER). (I) 0705 - No comparable missense variants have previous evidence for pathogenicity. (I) 0808 - Previous reports of pathogenicity for this variant are conflicting. This variant has been reported once as a variant of unknown significance (ClinVar) and is identified in two unrelated cases in the ADPKD variant database, where it has been classified as likely pathogenic. (I) 0905 - No published segregation evidence has been identified for this variant. (I) 1010 - Functional evidence for this variant is inconclusive. The effect of this variant on PKD2 ion channel activity was tested (PMID:37028763). No changes in channel current were observed as a result. (I) 1208 - Inheritance information for this variant is not currently available in this individual. (I) Legend: (SP) - Supporting pathogenic, (I) - Information, (SB) - Supporting benign

GeneDx
Classification: Uncertain significance. Last evaluated: 2019-10-03. Review status: criteria provided, single submitter. Criteria: GeneDx Variant Classification Process June 2021. Collection method: clinical testing. Allele origin: germline. Affected: yes.
Comment: Not observed in large population cohorts (Lek et al., 2016); In silico analysis, which includes protein predictors and evolutionary conservation, supports a deleterious effect; Has not been previously published as pathogenic or benign to our knowledge

Literature cited by the submitters: PubMed 37028763 (cited by Victorian Clinical Genetics Services, Murdoch Childrens Research Institute).

NM_000297.4(PKD2):c.838T>C (p.Trp280Arg)

Gene: PKD2 (polycystin 2, transient receptor potential cation channel; plus strand). Cytogenetic location: 4q22.1.
Variant type: single nucleotide variant.
Coding change: c.838T>C on transcript NM_000297.4 (MANE Select); coding-DNA position 838, T replaced by C.
Protein change: p.Trp280Arg; replaces tryptophan 280 with arginine.
Molecular consequence: missense variant. On other transcripts: non-coding transcript variant (1).
Genome position (GRCh38, 1-based): chr4:88,036,348, T>C. VCF-style: chr4-88036348-T-C. GRCh37 (hg19) VCF-style: chr4-88957500-T-C.
Other names: short protein forms W280R.
Identifiers: ClinVar variation 1304582 (VCV001304582.3), dbSNP rs2110104970, ClinGen allele CA357631691.
Genomic context (GRCh38, chr4:88,036,348, plus strand): 5'-ACCCCCGTGTCCAAAACGGAGAAAACTAACTTTAAAACTCTGTCTTCCATGGAAGACTTC[T>C]GGAAGGTATTTGCAAATAACTTTGAAAGTACCTCTCTATCACAGAAAATTGTTCATTTGG-3'
Protein context (NP_000288.1, residues 270-290): FKTLSSMEDF[Trp280Arg]KFTEGSLLDG